The following is an entry in ClinVar:

ClinVar aggregate classification (germline): Uncertain significance. Review status: criteria provided, multiple submitters, no conflicts (2 of 4 stars). 2 submissions from 2 submitters: Uncertain significance (2). Last evaluated 2026-01-07.

Conditions:
Hereditary cancer-predisposing syndrome. Also called: Hereditary neoplastic syndrome; Tumor predisposition; Hereditary Cancer Syndrome; Neoplastic Syndromes, Hereditary. Identifiers: Orphanet 140162, MedGen C0027672, MeSH D009386, MONDO:0015356.
POLD1-related polyposis and colorectal cancer syndrome (CRCS10). Also called: Colorectal cancer, susceptibility to, 10; Colorectal cancer 10; COLORECTAL CANCER, SUSCEPTIBILITY TO, ON CHROMOSOME 19q. Identifiers: Orphanet 220460, MedGen C2675481, MONDO:0012953, OMIM 612591.

Submissions (2):

Ambry Genetics
Classification: Uncertain significance for Hereditary cancer-predisposing syndrome. Last evaluated: 2026-01-07. Review status: criteria provided, single submitter. Criteria: Ambry Variant Classification Scheme 2023. Collection method: clinical testing. Allele origin: germline.
Comment: The c.577_578delTG variant, located in coding exon 4 of the POLD1 gene, results from a deletion of two nucleotides at nucleotide positions 577 to 578, causing a translational frameshift with a predicted alternate stop codon (p.C193Lfs*58). This alteration is expected to result in protein truncation or nonsense-mediated mRNA decay. However, loss of function has not been established as a mechanism of disease. Based on the available evidence, the clinical significance of this alteration remains unclear.

Labcorp Genetics (formerly Invitae), Labcorp
Classification: Uncertain significance for POLD1-related polyposis and colorectal cancer syndrome. Last evaluated: 2024-04-29. Review status: criteria provided, single submitter. Criteria: Invitae Variant Classification Sherloc (09022015). Collection method: clinical testing. Allele origin: germline.
Comment: This sequence change creates a premature translational stop signal (p.Cys193Leufs*58) in the POLD1 gene. Missense variants that disrupt the 3'-5' exonuclease (proof-reading) activity of the POLD1 protein are associated with PPAP (polymerase proofreading–associated polyposis) (PMID: 23263490, 23447401). However, loss-of-function variants that result in an absent or severely disrupted POLD1 protein, and missense variants outside the exonuclease domain, are unlikely to be associated with PPAP. This variant is not present in population databases (gnomAD no frequency). This variant has not been reported in the literature in individuals affected with POLD1-related conditions. ClinVar contains an entry for this variant (Variation ID: 642021). In summary, the available evidence is currently insufficient to determine the role of this variant in disease. Therefore, it has been classified as a Variant of Uncertain Significance.

Literature cited by the submitters: PubMed 23263490 (cited by Labcorp Genetics (formerly Invitae), Labcorp); PubMed 23447401 (cited by Labcorp Genetics (formerly Invitae), Labcorp).

NM_002691.4(POLD1):c.577_578del (p.Cys193fs)

Gene: POLD1 (DNA polymerase delta 1, catalytic subunit; plus strand). Cytogenetic location: 19q13.33.
Variant type: Microsatellite.
Coding change: c.577_578del on transcript NM_002691.4 (MANE Select); coding-DNA positions 577 to 578, 2 bases deleted (TG; older notation c.577_578delTG).
Protein change: p.Cys193fs; shifts the reading frame from cysteine 193.
Molecular consequence: frameshift variant. On other transcripts: non-coding transcript variant (1).
Genome position (GRCh38, 1-based): chr19:50,402,112-50,402,113, TG deleted; deleting any 2 consecutive bases within chr19:50,402,110-50,402,113 gives the same sequence; the c. name uses the placement nearest the transcript's 3' end. VCF-style (leftmost placement, unchanged base first): chr19-50402109-CTG-C. GRCh37 (hg19) VCF-style: chr19-50905366-CTG-C.
Other names: c.577_578del, p.Cys193fs (NM_001256849.1, NM_001308632.1); c.577_578delTG (NM_002691.2); short protein forms C193fs.
Identifiers: ClinVar variation 642021 (VCV000642021.9), dbSNP rs1601199920, ClinGen allele CA915951921.
Genomic context (GRCh38, chr19:50,402,109, plus strand): 5'-ATCAGCCGGGACAGTCGCGGGGGGAGGGAGCTGACTGGGCCGGCCGTGCTGGCTGTGGAA[CTG>C]TGCTCCCGAGAGAGTGAGTGCTCCCCCAGGATCAGCGGGTTGGAGGGTCCCCTCGGGAGG-3'